The following is an entry in ClinVar:

NM_004064.5(CDKN1B):c.77_78delinsTA (p.Pro26Leu)

Gene: CDKN1B (cyclin dependent kinase inhibitor 1B; plus strand). Cytogenetic location: 12p13.1.
Variant type: Indel.
Coding change: c.77_78delinsTA on transcript NM_004064.5 (MANE Select); coding-DNA positions 77 to 78, CC replaced by TA.
Protein change: p.Pro26Leu; replaces proline 26 with leucine.
Molecular consequence: missense variant.
Genome position (GRCh38, 1-based): chr12:12,717,916-12,717,917, CC replaced by TA. VCF-style: chr12-12717916-CC-TA. GRCh37 (hg19) VCF-style: chr12-12870850-CC-TA.
Other names: short protein forms P26L.
Identifiers: ClinVar variation 4868630 (VCV004868630.1).

ClinVar aggregate classification (germline): Uncertain significance (1 of 4 stars; one submission).

Conditions:
Hereditary cancer-predisposing syndrome. Also called: Neoplastic Syndromes, Hereditary; Tumor predisposition; Hereditary Cancer Syndrome; Hereditary neoplastic syndrome. Identifiers: Orphanet 140162, MedGen C0027672, MeSH D009386, MONDO:0015356.

Submission:

Ambry Genetics
Classification: Uncertain significance for Hereditary cancer-predisposing syndrome. Last evaluated: 2026-05-18. Review status: criteria provided, single submitter. Criteria: Ambry Variant Classification Scheme 2023. Collection method: clinical testing. Allele origin: germline.
Comment: The c.77_78delCCinsTA variant (also known as p.P26L), located in coding exon 1 of the CDKN1B gene, results from an in-frame deletion of CC and insertion of TA at nucleotide positions 77 to 78. This results in the substitution of the proline residue for a leucine residue at codon 26, an amino acid with similar properties. This amino acid position is highly conserved in available vertebrate species. In addition, the in silico prediction for this alteration is inconclusive. Based on the available evidence, the clinical significance of this variant remains unclear.